The following is an entry in ClinVar:

NM_005633.4(SOS1):c.141T>C (p.Tyr47=)

Gene: SOS1 (SOS Ras/Rac guanine nucleotide exchange factor 1; minus strand). Cytogenetic location: 2p22.1.
Variant type: single nucleotide variant.
Coding change: c.141T>C on transcript NM_005633.4 (MANE Select); coding-DNA position 141, T replaced by C.
Protein change: p.Tyr47=; no amino-acid change (tyrosine 47 retained).
Molecular consequence: synonymous variant.
Genome position (GRCh38, 1-based): chr2:39,067,700, A>G on the plus strand (T>C on the coding strand, the complement: SOS1 is on the minus strand). VCF-style: chr2-39067700-A-G. GRCh37 (hg19) VCF-style: chr2-39294841-A-G.
Other names: NM_005633.3(SOS1):c.141T>C; c.120T>C, p.Tyr40= (NM_001382394.1); c.141T>C, p.Tyr47= (NM_001382395.1).
Identifiers: ClinVar variation 448947 (VCV000448947.15), dbSNP rs201649682, ClinGen allele CA1624855.

ClinVar aggregate classification (germline): Benign. Review status: reviewed by expert panel (3 of 4 stars). 6 submissions from 6 submitters: Benign (1). 5 of the submissions do not count toward it. Last evaluated 2017-04-18.

Conditions:
SOS1-related disorder. Also called: SOS1-related condition.
Cardiovascular phenotype. Identifiers: MedGen CN230736.
RASopathy. Also called: rasopathies; Noonan spectrum disorder. Identifiers: Orphanet 536391, MedGen C5555857, MONDO:0021060.

Allele frequency attached by ClinVar (database versions not stated): gnomAD exomes 0.00012 and 0.00002; ExAC 0.00013; 1000 Genomes Project 30x 0.00031; 1000 Genomes Project 0.00040; gnomAD 0.00003 and 0.00004; TOPMed 0.00008.
gnomAD v4.1: 39 of 1,612,064 alleles (0.0024%); highest among the groups gnomAD compares: East Asian, 0.085%; no homozygotes.

Submissions (6):

ClinGen RASopathy Variant Curation Expert Panel
Classification: Benign for Noonan syndrome and Noonan-related syndrome. Last evaluated: 2017-04-18. Review status: reviewed by expert panel. Criteria: ClinGen RASopathy ACMG Specifications v1. Collection method: curation. Allele origin: germline. Inheritance: Autosomal dominant inheritance.
Comment: The filtering allele frequency of the c.141T>C (p.Tyr47=) variant in the SOS1 gene is 0.116% (16/8654) of East Asian chromosomes by the Exome Aggregation Consortium, which is a high enough frequency to be classified as benign based on thresholds defined by the ClinGen RASopathy Expert Panel (BA1; PMID:29493581)

Labcorp Genetics (formerly Invitae), Labcorp
Classification: Benign for RASopathy. Last evaluated: 2025-10-17. Review status: criteria provided, single submitter. Criteria: Invitae Variant Classification Sherloc (09022015). Collection method: clinical testing. Allele origin: germline. Not counted in ClinVar's aggregate classification.

Ambry Genetics
Classification: Likely benign for Cardiovascular phenotype. Last evaluated: 2025-08-18. Review status: criteria provided, single submitter. Criteria: Ambry Variant Classification Scheme 2023. Collection method: clinical testing. Allele origin: germline. Not counted in ClinVar's aggregate classification.

PreventionGenetics, part of Exact Sciences
Classification: Likely benign for SOS1-related condition. Last evaluated: 2025-01-29. Review status: criteria provided, single submitter. Criteria: ACMG Guidelines, 2015. Collection method: clinical testing. Allele origin: germline. Not counted in ClinVar's aggregate classification.
Comment: This variant is classified as likely benign based on ACMG/AMP sequence variant interpretation guidelines (Richards et al. 2015 PMID: 25741868, with internal and published modifications).

Blueprint Genetics
Classification: Likely benign. Last evaluated: 2024-10-31. Review status: criteria provided, single submitter. Criteria: ACMG Guidelines, 2015. Collection method: clinical testing. Allele origin: germline. Not counted in ClinVar's aggregate classification.

Women's Health and Genetics/Laboratory Corporation of America, LabCorp
Classification: Benign. Last evaluated: 2019-10-28. Review status: criteria provided, single submitter. Criteria: LabCorp Variant Classification Summary - May 2015. Collection method: clinical testing. Allele origin: germline. Not counted in ClinVar's aggregate classification.